The following is an entry in ClinVar:

NM_000135.4(FANCA):c.1900G>T (p.Asp634Tyr)

Gene: FANCA (FA complementation group A; minus strand). Cytogenetic location: 16q24.3.
Variant type: single nucleotide variant.
Coding change: c.1900G>T on transcript NM_000135.4 (MANE Select); coding-DNA position 1900, G replaced by T.
Protein change: p.Asp634Tyr; replaces aspartic acid 634 with tyrosine.
Molecular consequence: missense variant.
Genome position (GRCh38, 1-based): chr16:89,775,742, C>A on the plus strand (G>T on the coding strand, the complement: FANCA is on the minus strand). VCF-style: chr16-89775742-C-A. GRCh37 (hg19) VCF-style: chr16-89842150-C-A.
Other names: c.1900G>T, p.Asp634Tyr (NM_001286167.3); short protein forms D634Y.
Identifiers: ClinVar variation 5003461 (VCV005003461.1).

ClinVar aggregate classification (germline): Uncertain significance (1 of 4 stars; one submission).

Conditions:
Fanconi anemia complementation group A (FANCA). Also called: Fanconi anemia, group A; FANCA-Related Fanconi Anemia. Identifiers: Orphanet 84, MedGen C3469521, MONDO:0009215, OMIM 227650.

Submission:

Myriad Genetics, Inc.
Classification: Uncertain significance for Fanconi anemia complementation group A. Last evaluated: 2025-10-24. Review status: criteria provided, single submitter. Criteria: Myriad Autosomal Dominant, Autosomal Recessive and X-Linked Classification Criteria (2023). Collection method: clinical testing. Allele origin: unknown.
Comment: NM_000135.2(FANCA):c.1900G>T(D634Y) is a missense variant classified as a variant of uncertain significance in the context of Fanconi anemia complementation group A. D634Y has been observed in a case with relevant disease (PMID: 36463940). Relevant functional assessments of this variant are not available in the literature. D634Y has not been observed in referenced population frequency databases. In summary, there is insufficient evidence to classify NM_000135.2(FANCA):c.1900G>T(D634Y) as pathogenic or benign. Please note: this variant was assessed in the context of healthy population screening.

Literature cited by the submitters: PubMed 36463940.